The following is an entry in ClinVar:

ClinVar aggregate classification (germline): Pathogenic (1 of 4 stars; one submission).

Conditions:
Autosomal recessive nonsyndromic hearing loss 24. Identifiers: Orphanet 90636, MedGen C1970239, MONDO:0012602, OMIM 611022.

Submission:

Laboratorio de I+D, Fundación Centro Médico de Asturias
Classification: Pathogenic for Autosomal recessive nonsyndromic hearing loss 24. Last evaluated: 2019-09-10. Review status: criteria provided, single submitter. Criteria: ClinGen HL ACMG Specifications v1. Collection method: clinical testing. Allele origin: germline. Inheritance: Autosomal recessive inheritance. Affected: yes. Observed: 1 variant allele.
Comment: PVS1, PM2, PM3_P

NM_002906.4(RDX):c.129G>A (p.Trp43Ter)

Gene: RDX (radixin; minus strand). Cytogenetic location: 11q22.3.
Variant type: single nucleotide variant.
Coding change: c.129G>A on transcript NM_002906.4 (MANE Select); coding-DNA position 129, G replaced by A.
Protein change: p.Trp43Ter; replaces tryptophan 43 with a stop codon.
Molecular consequence: nonsense. On other transcripts: intron variant (3).
Genome position (GRCh38, 1-based): chr11:110,264,842, C>T on the plus strand (G>A on the coding strand, the complement: RDX is on the minus strand). VCF-style: chr11-110264842-C-T. GRCh37 (hg19) VCF-style: chr11-110135567-C-T.
Other names: c.129G>A, p.Trp43Ter (NM_001260492.2, NM_001260493.2); c.-83+14839G>A (NM_001260495.2); c.97-608G>A (NM_001260496.2); c.60-6653G>A (NM_001260494.2); short protein forms W43*.
Identifiers: ClinVar variation 983525 (VCV000983525.2), dbSNP rs1412883921, ClinGen allele CA382869138.